The following is an entry in ClinVar:

ClinVar aggregate classification (germline): Conflicting classifications of pathogenicity. Review status: criteria provided, conflicting classifications (1 of 4 stars). 3 submissions from 3 submitters: Uncertain significance (2); Benign (1). Last evaluated 2023-09-29.

Allele frequency attached by ClinVar (database versions not stated): gnomAD exomes below 0.00001; gnomAD 0.00001; TOPMed 0.00001.
gnomAD v4.1: 6 of 1,599,056 alleles (0.00038%); highest among the groups gnomAD compares: East Asian, 0.0045%; no homozygotes.

Submissions (3):

GeneDx
Classification: Uncertain significance. Last evaluated: 2023-09-29. Review status: criteria provided, single submitter. Criteria: GeneDx Variant Classification Process June 2021. Collection method: clinical testing. Allele origin: germline. Affected: yes.
Comment: Has not been previously published as pathogenic or benign to our knowledge; Not observed at significant frequency in large population cohorts (gnomAD); In silico analysis supports that this missense variant has a deleterious effect on protein structure/function

Labcorp Genetics (formerly Invitae), Labcorp
Classification: Benign. Last evaluated: 2022-02-20. Review status: criteria provided, single submitter. Criteria: Invitae Variant Classification Sherloc (09022015). Collection method: clinical testing. Allele origin: germline.

Blueprint Genetics
Classification: Uncertain significance. Last evaluated: 2020-10-30. Review status: criteria provided, single submitter. Criteria: ACMG Guidelines, 2015. Collection method: clinical testing. Allele origin: germline.

NM_001854.4(COL11A1):c.2551C>T (p.Pro851Ser)

Gene: COL11A1 (collagen type XI alpha 1 chain; minus strand). Cytogenetic location: 1p21.1.
Variant type: single nucleotide variant.
Coding change: c.2551C>T on transcript NM_001854.4 (MANE Select); coding-DNA position 2551, C replaced by T.
Protein change: p.Pro851Ser; replaces proline 851 with serine.
Molecular consequence: missense variant. On other transcripts: non-coding transcript variant (1).
Genome position (GRCh38, 1-based): chr1:102,984,143, G>A on the plus strand (C>T on the coding strand, the complement: COL11A1 is on the minus strand). VCF-style: chr1-102984143-G-A. GRCh37 (hg19) VCF-style: chr1-103449699-G-A.
Other names: c.2203C>T, p.Pro735Ser (NM_001168249.1, NM_080630.4); c.2434C>T, p.Pro812Ser (NM_001190709.2); c.2587C>T, p.Pro863Ser (NM_080629.3); c.2551C>T (NM_001854.3); short protein forms P812S, P851S, P863S, P735S.
Identifiers: ClinVar variation 1933195 (VCV001933195.7), dbSNP rs1367668493, ClinGen allele CA341164903.